The following is an entry in ClinVar:

ClinVar aggregate classification (germline): Uncertain significance (1 of 4 stars; one submission).

Allele frequency attached by ClinVar (database versions not stated): gnomAD exomes below 0.00001.
gnomAD v4.1: 2 of 1,609,654 alleles (0.00012%); highest among the groups gnomAD compares: East Asian, 0.0045%; no homozygotes.

Submission:

Labcorp Genetics (formerly Invitae), Labcorp
Classification: Uncertain significance. Last evaluated: 2020-08-31. Review status: criteria provided, single submitter. Criteria: Invitae Variant Classification Sherloc (09022015). Collection method: clinical testing. Allele origin: germline.
Comment: This sequence change replaces aspartic acid with alanine at codon 197 of the ABCA4 protein (p.Asp197Ala). The aspartic acid residue is highly conserved and there is a moderate physicochemical difference between aspartic acid and alanine. This variant is not present in population databases (ExAC no frequency). This variant has not been reported in the literature in individuals with ABCA4-related conditions. Advanced modeling of protein sequence and biophysical properties (such as structural, functional, and spatial information, amino acid conservation, physicochemical variation, residue mobility, and thermodynamic stability) performed at Invitae indicates that this missense variant is not expected to disrupt ABCA4 protein function. In summary, the available evidence is currently insufficient to determine the role of this variant in disease. Therefore, it has been classified as a Variant of Uncertain Significance.

NM_000350.3(ABCA4):c.590A>C (p.Asp197Ala)

Gene: ABCA4 (ATP binding cassette subfamily A member 4; minus strand). Cytogenetic location: 1p22.1.
Variant type: single nucleotide variant.
Coding change: c.590A>C on transcript NM_000350.3 (MANE Select); coding-DNA position 590, A replaced by C.
Protein change: p.Asp197Ala; replaces aspartic acid 197 with alanine.
Molecular consequence: missense variant.
Genome position (GRCh38, 1-based): chr1:94,098,972, T>G on the plus strand (A>C on the coding strand, the complement: ABCA4 is on the minus strand). VCF-style: chr1-94098972-T-G. GRCh37 (hg19) VCF-style: chr1-94564528-T-G.
Other names: c.590A>C, p.Asp197Ala (NM_001425324.1); short protein forms D197A.
Identifiers: ClinVar variation 1054207 (VCV001054207.9), dbSNP rs1662216089, ClinGen allele CA341289762.